The following is an entry in ClinVar:

ClinVar aggregate classification (germline): Benign/Likely benign. Review status: criteria provided, multiple submitters, no conflicts (2 of 4 stars). 11 submissions from 11 submitters: Benign (2); Likely benign (6). 3 of the submissions do not count toward it. Last evaluated 2026-07-01.

Conditions:
Polycystic kidney disease, adult type (PKD1). Also called: POLYCYSTIC KIDNEY DISEASE, ADULT, TYPE I; Polycystic Kidney, Autosomal Dominant; Polycystic Kidney Disease 1, Autosomal Dominant; Polycystic kidney disease 1; Polycystic kidney disease 1, severe; POLYCYSTIC KIDNEY DISEASE 1 WITH OR WITHOUT POLYCYSTIC LIVER DISEASE. Identifiers: MedGen C3149841, MONDO:0008263, OMIM 173900.
Polycystic kidney disease. Also called: Kidney, Polycystic; Polycystic kidney dysplasia. Identifiers: MedGen C0022680, MeSH D007690, MONDO:0020642, HP:0000113.

Allele frequency attached by ClinVar (database versions not stated): 1000 Genomes Project 0.00060; 1000 Genomes Project 30x 0.00078; ESP Exome Variant Server 0.00116; gnomAD exomes 0.00137 and 0.00196; ExAC 0.00144; gnomAD 0.00153 and 0.00161; TOPMed 0.00156.
gnomAD v4.1: 3,059 of 1,611,986 alleles (0.19%); highest among the groups gnomAD compares: Non-Finnish European, 0.24%; 6 homozygotes.

Submissions (11):

CeGaT Center for Human Genetics Tuebingen
Classification: Likely benign. Last evaluated: 2026-07-01. Review status: criteria provided, single submitter. Criteria: CeGaT Center For Human Genetics Tuebingen Variant Classification Criteria Version 2. Collection method: clinical testing. Allele origin: germline. Affected: yes. Observed: 5 variant alleles.
Comment: PKD1: BP4, BP7

Women's Health and Genetics/Laboratory Corporation of America, LabCorp
Classification: Likely benign. Last evaluated: 2026-01-30. Review status: criteria provided, single submitter. Criteria: LabCorp Variant Classification Summary - May 2015. Collection method: clinical testing. Allele origin: germline.

Mayo Clinic Laboratories, Mayo Clinic
Classification: Likely benign. Last evaluated: 2025-09-04. Review status: criteria provided, single submitter. Criteria: ACMG Guidelines, 2015. Collection method: clinical testing. Allele origin: germline. Observed: 2 variant alleles.
Comment: BS1, BP4, BP7

Blueprint Genetics
Classification: Likely benign. Last evaluated: 2024-11-27. Review status: criteria provided, single submitter. Criteria: ACMG Guidelines, 2015. Collection method: clinical testing. Allele origin: germline.

GeneDx
Classification: Likely benign. Last evaluated: 2021-03-01. Review status: criteria provided, single submitter. Criteria: GeneDx Variant Classification Process June 2021. Collection method: clinical testing. Allele origin: germline. Affected: yes.

ARUP Laboratories, Molecular Genetics and Genomics, ARUP Laboratories
Classification: Benign for Polycystic kidney disease, adult type. Last evaluated: 2020-02-27. Review status: criteria provided, single submitter. Criteria: ARUP Molecular Germline Variant Investigation Process. Collection method: clinical testing. Allele origin: germline.

Athena Diagnostics
Classification: Benign. Last evaluated: 2018-05-29. Review status: criteria provided, single submitter. Criteria: Athena Diagnostics Criteria. Collection method: clinical testing. Allele origin: germline.

PreventionGenetics, part of Exact Sciences
Classification: Likely benign. Review status: criteria provided, single submitter. Criteria: ACMG Guidelines, 2015. Collection method: clinical testing. Allele origin: germline.

Clinical Genetics DNA and cytogenetics Diagnostics Lab, Erasmus MC, Erasmus Medical Center
Classification: Likely benign. Review status: no assertion criteria provided. Collection method: clinical testing. Allele origin: germline. Affected: yes. Study: VKGL Data-share Consensus. Not counted in ClinVar's aggregate classification.

Department of Pathology and Laboratory Medicine, Sinai Health System
Classification: Likely benign for Polycystic Kidney disease. Review status: no assertion criteria provided. Collection method: clinical testing. Allele origin: unknown. Affected: yes. Observed: 1 variant allele. Study: The Canadian Open Genetics Repository (COGR). Not counted in ClinVar's aggregate classification.
Comment: The PKD1 p.Gly1639= variant was not identified in the literature nor was it identified in the databases GeneInsight-COGR or PKD1-LOVD. The variant was identified in dbSNP (ID: rs148852027) as "With Likely benign allele", ClinVar (2x, likely benign), Clinvitae, LOVD 3.0 (1x), and the ADPKD Mutation Database (likely neutral). The variant was identified in control databases in 387 of 271600 chromosomes at a frequency of 0.001 increasing the likelihood this could be a low frequency benign variant (Genome Aggregation Database Feb 27, 2017). Breakdown of the observations by population include African in 7 of 23132 chromosomes (freq: 0.0003), Other in 11 of 6314 chromosomes (freq: 0.002), Latino in 53 of 34320 chromosomes (freq: 0.002), European in 298 of 123000 chromosomes (freq: 0.002), Ashkenazi Jewish in 3 of 10006 chromosomes (freq: 0.0003), Finnish in 5 of 25308 chromosomes (freq: 0.0002), and South Asian in 10 of 30744 chromosomes (freq: 0.0003). The variant was not observed in the East Asian population. In addition we cannot be certain that data from control databases is specific to PKD1 and not from one of the six PKD1 pseudogenes. The p.Gly1639= variant is not expected to have clinical significance because it does not result in a change of amino acid and is not located in a known consensus splice site. In summary, based on the above information the clinical significance of this variant cannot be determined with certainty at this time although we would lean towards a more benign role for this variant. This variant is classified as likely benign.

Genome Diagnostics Laboratory, University Medical Center Utrecht
Classification: Benign. Review status: no assertion criteria provided. Collection method: clinical testing. Allele origin: germline. Affected: yes. Study: VKGL Data-share Consensus. Not counted in ClinVar's aggregate classification.

NM_001009944.3(PKD1):c.4917C>T (p.Gly1639=)

Gene: PKD1 (polycystin 1, transient receptor potential channel interacting; minus strand). Cytogenetic location: 16p13.3.
Variant type: single nucleotide variant.
Coding change: c.4917C>T on transcript NM_001009944.3 (MANE Select); coding-DNA position 4917, C replaced by T.
Protein change: p.Gly1639=; no amino-acid change (glycine 1639 retained).
Molecular consequence: synonymous variant.
Genome position (GRCh38, 1-based): chr16:2,110,250, G>A on the plus strand (C>T on the coding strand, the complement: PKD1 is on the minus strand). VCF-style: chr16-2110250-G-A. GRCh37 (hg19) VCF-style: chr16-2160251-G-A.
Other names: p.Gly1639=; c.4917C>T, p.Gly1639= (NM_000296.4).
Identifiers: ClinVar variation 256971 (VCV000256971.43), dbSNP rs148852027, ClinGen allele CA7832195.
Genomic context (GRCh38, chr16:2,110,250, plus strand): 5'-GCCATCCCTAACCACGGCCTGCAGCTGTACCGTGTGGTTGGTGGGGAAGTAGCGGCCACC[G>A]CCCACCACCTGCAGCCCCTCTATGAGCTGCAGGACATAGACGAAGATGCTGTCCTGGGCG-3'
Protein context (NP_001009944.3, residues 1629-1649): LQLIEGLQVV[Gly1639=]GGRYFPTNHT